The following is an entry in ClinVar:

ClinVar aggregate classification (germline): Uncertain significance (1 of 4 stars; one submission).

Conditions:
Cardiovascular phenotype. Identifiers: MedGen CN230736.

Submission:

Ambry Genetics
Classification: Uncertain significance for Cardiovascular phenotype. Last evaluated: 2026-01-24. Review status: criteria provided, single submitter. Criteria: Ambry Variant Classification Scheme 2023. Collection method: clinical testing. Allele origin: germline.
Comment: The p.A254S variant (also known as c.760G>T), located in coding exon 1 of the CHST14 gene, results from a G to T substitution at nucleotide position 760. The alanine at codon 254 is replaced by serine, an amino acid with similar properties. This amino acid position is conserved. In addition, this alteration is predicted to be tolerated by in silico analysis. Based on the available evidence, the clinical significance of this variant remains unclear.

NM_130468.4(CHST14):c.760G>T (p.Ala254Ser)

Gene: CHST14 (carbohydrate sulfotransferase 14; plus strand). Cytogenetic location: 15q15.1.
Variant type: single nucleotide variant.
Coding change: c.760G>T on transcript NM_130468.4 (MANE Select); coding-DNA position 760, G replaced by T.
Protein change: p.Ala254Ser; replaces alanine 254 with serine.
Molecular consequence: missense variant.
Genome position (GRCh38, 1-based): chr15:40,471,973, G>T. VCF-style: chr15-40471973-G-T. GRCh37 (hg19) VCF-style: chr15-40764172-G-T.
Other names: short protein forms A254S.
Identifiers: ClinVar variation 4824774 (VCV004824774.1).